The following is an entry in ClinVar:

ClinVar aggregate classification (germline): Uncertain significance (1 of 4 stars; one submission).

Conditions:
Hereditary cancer-predisposing syndrome. Also called: Neoplastic Syndromes, Hereditary; Tumor predisposition; Hereditary neoplastic syndrome; Hereditary Cancer Syndrome. Identifiers: Orphanet 140162, MedGen C0027672, MeSH D009386, MONDO:0015356.

gnomAD v4.1: 1 of 1,613,496 alleles (0.000062%); highest among the groups gnomAD compares: Non-Finnish European, 0.000085%; no homozygotes.

Submission:

Ambry Genetics
Classification: Uncertain significance for Hereditary cancer-predisposing syndrome. Last evaluated: 2026-07-30. Review status: criteria provided, single submitter. Criteria: Ambry Variant Classification Scheme 2023. Collection method: clinical testing. Allele origin: germline.
Comment: The p.T666A variant (also known as c.1996A>G), located in coding exon 14 of the KIT gene, results from an A to G substitution at nucleotide position 1996. The threonine at codon 666 is replaced by alanine, an amino acid with similar properties. This amino acid position is conserved. In addition, the in silico prediction for this alteration is inconclusive. Based on the available evidence, the clinical significance of this variant remains unclear.

NM_000222.3(KIT):c.1996A>G (p.Thr666Ala)

Gene: KIT (KIT proto-oncogene, receptor tyrosine kinase; plus strand). Cytogenetic location: 4q12.
Variant type: single nucleotide variant.
Coding change: c.1996A>G on transcript NM_000222.3 (MANE Select); coding-DNA position 1996, A replaced by G.
Protein change: p.Thr666Ala; replaces threonine 666 with alanine.
Molecular consequence: missense variant.
Genome position (GRCh38, 1-based): chr4:54,729,340, A>G. VCF-style: chr4-54729340-A-G. GRCh37 (hg19) VCF-style: chr4-55595506-A-G.
Other names: c.1984A>G, p.Thr662Ala (NM_001093772.2, NM_001385286.1); c.1999A>G, p.Thr667Ala (NM_001385284.1, NM_001385290.1); c.1996A>G, p.Thr666Ala (NM_001385285.1); c.1987A>G, p.Thr663Ala (NM_001385288.1, NM_001385292.1); short protein forms T666A, T663A, T667A, T662A.
Identifiers: ClinVar variation 5023332 (VCV005023332.1).